The following is an entry in ClinVar:

ClinVar aggregate classification (germline): Likely pathogenic (1 of 4 stars; one submission).

Conditions:
Cerebellar ataxia, impaired intellectual development, and dysequilibrium syndrome 4. Also called: CEREBELLAR ATAXIA AND MENTAL RETARDATION WITH OR WITHOUT QUADRUPEDAL LOCOMOTION 4; Cerebellar ataxia, mental retardation, and dysequilibrium syndrome 4; Cerebellar ataxia, intellectual disability, and dysequilibrium syndrome 4. Identifiers: Orphanet 1766, MedGen C3808977, MONDO:0014104, OMIM 615268.

Submission:

Neuberg Centre For Genomic Medicine, NCGM
Classification: Likely pathogenic for Cerebellar ataxia, impaired intellectual development, and dysequilibrium syndrome 4. Review status: criteria provided, single submitter. Criteria: ACMG Guidelines, 2015. Collection method: clinical testing. Allele origin: germline. Inheritance: Autosomal recessive inheritance. Affected: yes.
Comment: This variant is predicted to cause loss of normal protein function either through protein truncation or nonsense-mediated mRNA decay. Loss of function variants have been previously reported to be disease causing (McMillan et al., 2018). For these reasons, this variant has been classified as Likely Pathogenic

NM_016529.6(ATP8A2):c.2551dup (p.Asp851fs)

Gene: ATP8A2 (ATPase phospholipid transporting 8A2). Cytogenetic location: 13q12.13.
Variant type: Duplication.
Coding change: c.2551dup on transcript NM_016529.6 (MANE Select); coding-DNA position 2551, one base duplicated.
Protein change: p.Asp851fs; shifts the reading frame from aspartic acid 851.
Molecular consequence: frameshift variant.
Genome position: GRCh38 VCF-style: chr13-25769210-C-CG. GRCh37 (hg19) VCF-style: chr13-26343348-C-CG.
Other names: c.2431dup, p.Asp811fs (NM_001313741.1); c.2551dup, p.Asp851fs (NM_001411005.1, NM_001411006.1); short protein forms D811fs, D851fs.
Identifiers: ClinVar variation 4077149 (VCV004077149.1).